The following is an entry in ClinVar:

ClinVar aggregate classification (germline): Uncertain significance. Review status: criteria provided, multiple submitters, no conflicts (2 of 4 stars). 4 submissions from 4 submitters: Uncertain significance (4). Last evaluated 2024-11-25.

Conditions:
Dilated cardiomyopathy 1KK (CMD1KK). Identifiers: Orphanet 154, Orphanet 75249, MedGen C3714995, MONDO:0014100, OMIM 615248.
MYPN-related myopathy (CMYO24). Also called: Nemaline myopathy 11, autosomal recessive. Identifiers: MedGen C4479186, MONDO:0015023, OMIM 617336.
Cardiovascular phenotype. Identifiers: MedGen CN230736.

Allele frequency attached by ClinVar (database versions not stated): gnomAD exomes below 0.00001 and 0.00001; gnomAD 0.00004 and 0.00003; TOPMed 0.00005; ExAC 0.00001; ESP Exome Variant Server 0.00015.
gnomAD v4.1: 15 of 1,614,012 alleles (0.00093%); highest among the groups gnomAD compares: African/African-American, 0.016%; no homozygotes.

Submissions (4):

Revvity Omics, Revvity
Classification: Uncertain significance. Last evaluated: 2024-11-25. Review status: criteria provided, single submitter. Criteria: ACMG Guidelines, 2015. Collection method: clinical testing. Allele origin: germline.

Ambry Genetics
Classification: Uncertain significance for Cardiovascular phenotype. Last evaluated: 2023-11-13. Review status: criteria provided, single submitter. Criteria: Ambry Variant Classification Scheme 2023. Collection method: clinical testing. Allele origin: germline.
Comment: The p.R597C variant (also known as c.1789C>T), located in coding exon 9 of the MYPN gene, results from a C to T substitution at nucleotide position 1789. The arginine at codon 597 is replaced by cysteine, an amino acid with highly dissimilar properties. This amino acid position is conserved. In addition, this alteration is predicted to be deleterious by in silico analysis. Since supporting evidence is limited at this time, the clinical significance of this alteration remains unclear.

Labcorp Genetics (formerly Invitae), Labcorp
Classification: Uncertain significance for Dilated cardiomyopathy 1KK. Last evaluated: 2022-09-27. Review status: criteria provided, single submitter. Criteria: Invitae Variant Classification Sherloc (09022015). Collection method: clinical testing. Allele origin: germline.
Comment: This sequence change replaces arginine, which is basic and polar, with cysteine, which is neutral and slightly polar, at codon 597 of the MYPN protein (p.Arg597Cys). This variant is present in population databases (rs367570424, gnomAD 0.008%). This variant has not been reported in the literature in individuals affected with MYPN-related conditions. ClinVar contains an entry for this variant (Variation ID: 1374405). Algorithms developed to predict the effect of missense changes on protein structure and function are either unavailable or do not agree on the potential impact of this missense change (SIFT: "Deleterious"; PolyPhen-2: "Probably Damaging"; Align-GVGD: "Class C15"). In summary, the available evidence is currently insufficient to determine the role of this variant in disease. Therefore, it has been classified as a Variant of Uncertain Significance.

Fulgent Genetics
Classification: Uncertain significance for Dilated cardiomyopathy 1KK; MYPN-related myopathy. Last evaluated: 2021-10-31. Review status: criteria provided, single submitter. Criteria: ACMG Guidelines, 2015. Collection method: clinical testing. Allele origin: unknown.

NM_032578.4(MYPN):c.1789C>T (p.Arg597Cys)

Gene: MYPN (myopalladin; plus strand). Cytogenetic location: 10q21.3.
Variant type: single nucleotide variant.
Coding change: c.1789C>T on transcript NM_032578.4 (MANE Select); coding-DNA position 1789, C replaced by T.
Protein change: p.Arg597Cys; replaces arginine 597 with cysteine.
Molecular consequence: missense variant. On other transcripts: non-coding transcript variant (2).
Genome position (GRCh38, 1-based): chr10:68,166,482, C>T. VCF-style: chr10-68166482-C-T. GRCh37 (hg19) VCF-style: chr10-69926239-C-T.
Other names: c.1789C>T (NM_032578.3); c.1789C>T, p.Arg597Cys (NM_001256267.2); c.907C>T, p.Arg303Cys (NM_001256268.2); short protein forms R597C, R303C.
Identifiers: ClinVar variation 1374405 (VCV001374405.9), dbSNP rs367570424, ClinGen allele CA5522658.